The following is an entry in ClinVar:

ClinVar aggregate classification (germline): Pathogenic (1 of 4 stars; one submission).

Conditions:
Fanconi anemia complementation group E (FANCE). Also called: FANCE-Related Fanconi Anemia. Identifiers: Orphanet 84, MedGen C3160739, MONDO:0010953, OMIM 600901.

Submission:

Labcorp Genetics (formerly Invitae), Labcorp
Classification: Pathogenic for Fanconi anemia complementation group E. Last evaluated: 2024-08-29. Review status: criteria provided, single submitter. Criteria: Invitae Variant Classification Sherloc (09022015). Collection method: clinical testing. Allele origin: germline.
Comment: This sequence change creates a premature translational stop signal (p.Glu188Lysfs*108) in the FANCE gene. It is expected to result in an absent or disrupted protein product. Loss-of-function variants in FANCE are known to be pathogenic (PMID: 11001585, 17924555). This variant is not present in population databases (gnomAD no frequency). This variant has not been reported in the literature in individuals affected with FANCE-related conditions. For these reasons, this variant has been classified as Pathogenic.

Literature cited by the submitters: PubMed 11001585; PubMed 17924555.

NM_021922.3(FANCE):c.562del (p.Glu188fs)

Gene: FANCE (FA complementation group E; plus strand). Cytogenetic location: 6p21.31.
Variant type: Deletion.
Coding change: c.562del on transcript NM_021922.3 (MANE Select); coding-DNA position 562, one base deleted (G; older notation c.562delG).
Protein change: p.Glu188fs; shifts the reading frame from glutamic acid 188.
Molecular consequence: frameshift variant.
Genome position (GRCh38, 1-based): chr6:35,456,060, G deleted. VCF-style (leftmost placement, unchanged base first): chr6-35456059-AG-A. GRCh37 (hg19) VCF-style: chr6-35423836-AG-A.
Other names: c.562del, p.Glu188fs (NM_001410876.1); short protein forms E188fs.
Identifiers: ClinVar variation 3689447 (VCV003689447.2).
Genomic context (GRCh38, chr6:35,456,059, plus strand): 5'-ATGTAGGGGGCTGGGCCTGGGGGGCAGGAGGTTGAAATCCCCCCAGGCTCCAGACCCTGA[AG>A]AAGAGGAGAACAGGGACTCCCAGCAGCCTGGGAAACGCAGAAAGGACTCAGAGGAAGAGG-3'